The following is an entry in ClinVar:

ClinVar aggregate classification (germline): Uncertain significance (1 of 4 stars; one submission).

Allele frequency attached by ClinVar (database versions not stated): TOPMed below 0.00001.

Submission:

GeneDx
Classification: Uncertain significance. Last evaluated: 2023-02-16. Review status: criteria provided, single submitter. Criteria: GeneDx Variant Classification Process June 2021. Collection method: clinical testing. Allele origin: germline. Affected: yes.
Comment: Not observed at significant frequency in large population cohorts (gnomAD); In silico analysis supports that this missense variant has a deleterious effect on protein structure/function; Has not been previously published as pathogenic or benign to our knowledge

NM_001031689.3(PLAA):c.1343C>T (p.Ala448Val)

Gene: PLAA (phospholipase A2 activating protein; minus strand). Cytogenetic location: 9p21.2.
Variant type: single nucleotide variant.
Coding change: c.1343C>T on transcript NM_001031689.3 (MANE Select); coding-DNA position 1343, C replaced by T.
Protein change: p.Ala448Val; replaces alanine 448 with valine.
Molecular consequence: missense variant.
Genome position (GRCh38, 1-based): chr9:26,919,384, G>A on the plus strand (C>T on the coding strand, the complement: PLAA is on the minus strand). VCF-style: chr9-26919384-G-A. GRCh37 (hg19) VCF-style: chr9-26919382-G-A.
Other names: c.1343C>T, p.Ala448Val (NM_001321546.2); short protein forms A448V.
Identifiers: ClinVar variation 2576685 (VCV002576685.1), dbSNP rs1563910252, ClinGen allele CA373131709.